The following is an entry in ClinVar:

NM_000020.3(ACVRL1):c.1165_1179del (p.Cys389_Tyr393del)

Gene: ACVRL1 (activin A receptor like type 1; plus strand). Cytogenetic location: 12q13.13.
Variant type: Deletion.
Coding change: c.1165_1179del on transcript NM_000020.3 (MANE Select); coding-DNA positions 1165 to 1179, 15 bases deleted (TGCTTTGAGTCCTAC).
Protein change: p.Cys389_Tyr393del.
Molecular consequence: inframe deletion.
Genome position (GRCh38, 1-based): chr12:51,916,152-51,916,166, TGCTTTGAGTCCTAC deleted; deleting any 15 consecutive bases within chr12:51,916,150-51,916,166 gives the same sequence; the c. name uses the placement nearest the transcript's 3' end. VCF-style (leftmost placement, unchanged base first): chr12-51916149-GACTGCTTTGAGTCCT-G. GRCh37 (hg19) VCF-style: chr12-52309933-GACTGCTTTGAGTCCT-G.
Other names: c.1165_1179del, p.Cys389_Tyr393del (NM_001077401.2).
Identifiers: ClinVar variation 853597 (VCV000853597.10), dbSNP rs1940835452, ClinGen allele CA916081672.

ClinVar aggregate classification (germline): Uncertain significance (1 of 4 stars; one submission).

Conditions:
Telangiectasia, hereditary hemorrhagic, type 2 (HHT2). Also called: Telangiectasia, hereditary hemorrhagic, type II; ACVRL1-Related Hereditary Hemorrhagic Telangiectasia. Identifiers: Orphanet 774, MedGen C1838163, MONDO:0010880, OMIM 600376. Disease mechanism: loss of function.

Submission:

Labcorp Genetics (formerly Invitae), Labcorp
Classification: Uncertain significance for Telangiectasia, hereditary hemorrhagic, type 2. Last evaluated: 2019-12-27. Review status: criteria provided, single submitter. Criteria: Invitae Variant Classification Sherloc (09022015). Collection method: clinical testing. Allele origin: germline.
Comment: In summary, the available evidence is currently insufficient to determine the role of this variant in disease. Therefore, it has been classified as a Variant of Uncertain Significance. Experimental studies and prediction algorithms are not available or were not evaluated, and the functional significance of this variant is currently unknown. This variant has not been reported in the literature in individuals with ACVRL1-related conditions. This variant is not present in population databases (ExAC no frequency). This variant, c.1165_1179del, results in the deletion of 5 amino acid(s) of the ACVRL1 protein (p.Cys389_Tyr393del), but otherwise preserves the integrity of the reading frame.